The following is an entry in ClinVar:

ClinVar aggregate classification (germline): Uncertain significance (1 of 4 stars; one submission).

Allele frequency attached by ClinVar (database versions not stated): gnomAD exomes below 0.00001.
gnomAD v4.1: 1 of 1,613,920 alleles (0.000062%); highest among the groups gnomAD compares: Non-Finnish European, 0.000085%; no homozygotes.

Submission:

Labcorp Genetics (formerly Invitae), Labcorp
Classification: Uncertain significance. Last evaluated: 2023-05-11. Review status: criteria provided, single submitter. Criteria: Invitae Variant Classification Sherloc (09022015). Collection method: clinical testing. Allele origin: germline.
Comment: An algorithm developed to predict the effect of missense changes on protein structure and function (PolyPhen-2) suggests that this variant is likely to be disruptive. This variant has not been reported in the literature in individuals affected with AP3D1-related conditions. This variant is not present in population databases (gnomAD no frequency). This sequence change replaces arginine, which is basic and polar, with glycine, which is neutral and non-polar, at codon 800 of the AP3D1 protein (p.Arg800Gly). In summary, the available evidence is currently insufficient to determine the role of this variant in disease. Therefore, it has been classified as a Variant of Uncertain Significance.

NM_001261826.3(AP3D1):c.2398A>G (p.Arg800Gly)

Gene: AP3D1 (adaptor related protein complex 3 subunit delta 1; minus strand). Cytogenetic location: 19p13.3.
Variant type: single nucleotide variant.
Coding change: c.2398A>G on transcript NM_001261826.3 (MANE Select); coding-DNA position 2398, A replaced by G.
Protein change: p.Arg800Gly; replaces arginine 800 with glycine.
Molecular consequence: missense variant.
Genome position (GRCh38, 1-based): chr19:2,114,773, T>C on the plus strand (A>G on the coding strand, the complement: AP3D1 is on the minus strand). VCF-style: chr19-2114773-T-C. GRCh37 (hg19) VCF-style: chr19-2114772-T-C.
Other names: c.2398A>G, p.Arg800Gly (NM_001374799.1, NM_003938.8); short protein forms R800G.
Identifiers: ClinVar variation 2863301 (VCV002863301.3), dbSNP rs2512149988, ClinGen allele CA403210124.